The following is an entry in ClinVar:

NM_006164.5(NFE2L2):c.371C>A (p.Ala124Glu)

Gene: NFE2L2 (NFE2 like bZIP transcription factor 2; minus strand). Cytogenetic location: 2q31.2.
Variant type: single nucleotide variant.
Coding change: c.371C>A on transcript NM_006164.5 (MANE Select); coding-DNA position 371, C replaced by A.
Protein change: p.Ala124Glu; replaces alanine 124 with glutamic acid.
Molecular consequence: missense variant. On other transcripts: intron variant (1).
Genome position (GRCh38, 1-based): chr2:177,233,281, G>T on the plus strand (C>A on the coding strand, the complement: NFE2L2 is on the minus strand). VCF-style: chr2-177233281-G-T. GRCh37 (hg19) VCF-style: chr2-178098009-G-T.
Other names: c.323C>A, p.Ala108Glu (NM_001145412.3, NM_001145413.3, NM_001313900.1 and 1 more transcripts); c.152C>A, p.Ala51Glu (NM_001313903.2); c.71C>A, p.Ala24Glu (NM_001313904.1); c.313-698C>A (NM_001313902.2); short protein forms A108E, A124E, A51E, A24E.
Identifiers: ClinVar variation 2696953 (VCV002696953.3), dbSNP rs749353894, ClinGen allele CA349378514.

ClinVar aggregate classification (germline): Uncertain significance (1 of 4 stars; one submission).

Submission:

Labcorp Genetics (formerly Invitae), Labcorp
Classification: Uncertain significance. Last evaluated: 2023-11-27. Review status: criteria provided, single submitter. Criteria: Invitae Variant Classification Sherloc (09022015). Collection method: clinical testing. Allele origin: germline.
Comment: This sequence change replaces alanine, which is neutral and non-polar, with glutamic acid, which is acidic and polar, at codon 124 of the NFE2L2 protein (p.Ala124Glu). This variant is not present in population databases (gnomAD no frequency). This variant has not been reported in the literature in individuals affected with NFE2L2-related conditions. Advanced modeling of protein sequence and biophysical properties (such as structural, functional, and spatial information, amino acid conservation, physicochemical variation, residue mobility, and thermodynamic stability) performed at Invitae indicates that this missense variant is not expected to disrupt NFE2L2 protein function with a negative predictive value of 80%. In summary, the available evidence is currently insufficient to determine the role of this variant in disease. Therefore, it has been classified as a Variant of Uncertain Significance.